The following is an entry in ClinVar:

NM_000458.4(HNF1B):c.356G>A (p.Trp119Ter)

Gene: HNF1B (HNF1 homeobox B; minus strand). Cytogenetic location: 17q12.
Variant type: single nucleotide variant.
Coding change: c.356G>A on transcript NM_000458.4 (MANE Select); coding-DNA position 356, G replaced by A.
Protein change: p.Trp119Ter; replaces tryptophan 119 with a stop codon.
Molecular consequence: nonsense.
Genome position (GRCh38, 1-based): chr17:37,739,628, C>T on the plus strand (G>A on the coding strand, the complement: HNF1B is on the minus strand). VCF-style: chr17-37739628-C-T. GRCh37 (hg19) VCF-style: chr17-36099619-C-T.
Other names: c.356G>A, p.Trp119Ter (NM_001165923.4, NM_001304286.2); short protein forms W119*.
Identifiers: ClinVar variation 635709 (VCV000635709.1), dbSNP rs2511830005, ClinGen allele CA398751737.

ClinVar aggregate classification (germline): Pathogenic (1 of 4 stars; one submission).

Conditions:
Renal cysts and diabetes syndrome (RCAD). Also called: Familial hypoplastic, glomerulocystic kidney; MATURITY-ONSET DIABETES OF THE YOUNG, TYPE 5. Identifiers: Orphanet 93111, MedGen C0431693, MONDO:0007669, OMIM 137920.

Submission:

Institute of Human Genetics, FAU Erlangen, Friedrich-Alexander-Universität Erlangen-Nürnberg
Classification: Pathogenic for Renal cysts and diabetes syndrome. Last evaluated: 2019-07-06. Review status: criteria provided, single submitter. Criteria: ACMG Guidelines, 2015. Collection method: literature only. Allele origin: germline. Affected: yes.
Comment: This variant and it's classification has been reported by Vasileiou et al. 2019; DOI:10.1101/576918. The variants has previously been reported in PMID:24897035 as "c.356 G>A p.Trp119X" with clinical significance Pathogenic. It has been re-classified using InterVar and manual curation as Pathogenic based on PVS1 PM2 PP3.

Literature cited by the submitters: PubMed 24897035; DOI 10.1101/576918.